The following is an entry in ClinVar:

ClinVar aggregate classification (germline): Uncertain significance (1 of 4 stars; one submission).

Submission:

Labcorp Genetics (formerly Invitae), Labcorp
Classification: Uncertain significance. Last evaluated: 2025-05-13. Review status: criteria provided, single submitter. Criteria: Invitae Variant Classification Sherloc (09022015). Collection method: clinical testing. Allele origin: germline.
Comment: This sequence change replaces glycine, which is neutral and non-polar, with glutamic acid, which is acidic and polar, at codon 1174 of the COL4A1 protein (p.Gly1174Glu). This variant is not present in population databases (gnomAD no frequency). This variant has not been reported in the literature in individuals affected with COL4A1-related conditions. ClinVar contains an entry for this variant (Variation ID: 2967742). Invitae Evidence Modeling of protein sequence and biophysical properties (such as structural, functional, and spatial information, amino acid conservation, physicochemical variation, residue mobility, and thermodynamic stability) has been performed for this missense variant. However, the output from this modeling did not meet the statistical confidence thresholds required to predict the impact of this variant on COL4A1 protein function. In summary, the available evidence is currently insufficient to determine the role of this variant in disease. Therefore, it has been classified as a Variant of Uncertain Significance.

NM_001845.6(COL4A1):c.3521G>A (p.Gly1174Glu)

Gene: COL4A1 (collagen type IV alpha 1 chain; minus strand). Cytogenetic location: 13q34.
Variant type: single nucleotide variant.
Coding change: c.3521G>A on transcript NM_001845.6 (MANE Select); coding-DNA position 3521, G replaced by A.
Protein change: p.Gly1174Glu; replaces glycine 1174 with glutamic acid.
Molecular consequence: missense variant.
Genome position (GRCh38, 1-based): chr13:110,172,755, C>T on the plus strand (G>A on the coding strand, the complement: COL4A1 is on the minus strand). VCF-style: chr13-110172755-C-T. GRCh37 (hg19) VCF-style: chr13-110825102-C-T.
Other names: short protein forms G1174E.
Identifiers: ClinVar variation 2967742 (VCV002967742.3), dbSNP rs975327670, ClinGen allele CA388664059.